The following is an entry in ClinVar:

NM_182493.3(MYLK3):c.413C>A (p.Ala138Glu)

Gene: MYLK3 (myosin light chain kinase 3; minus strand). Cytogenetic location: 16q11.2.
Variant type: single nucleotide variant.
Coding change: c.413C>A on transcript NM_182493.3 (MANE Select); coding-DNA position 413, C replaced by A.
Protein change: p.Ala138Glu; replaces alanine 138 with glutamic acid.
Molecular consequence: missense variant. On other transcripts: intron variant (1).
Genome position (GRCh38, 1-based): chr16:46,747,781, G>T on the plus strand (C>A on the coding strand, the complement: MYLK3 is on the minus strand). VCF-style: chr16-46747781-G-T. GRCh37 (hg19) VCF-style: chr16-46781693-G-T.
Other names: c.-113-7634C>A (NM_001308301.1); short protein forms A138E.
Identifiers: ClinVar variation 2997894 (VCV002997894.3), dbSNP rs956723382, ClinGen allele CA280241270.
Genomic context (GRCh38, chr16:46,747,781, plus strand): 5'-TCAGGGCTGTCACCTGGGCTGCCTCTCCTCCAGGGCACACGCCCCTGCATGAGGAAATCC[G>T]CCACCTTTGATTTCTGGAACGTGGCCCCCACCAAAGCGATGGCCCTGTCCACCGCAGCCA-3'
Protein context (NP_872299.2, residues 128-148): VGATFQKSKV[Ala138Glu]DFLMQGRVPW

ClinVar aggregate classification (germline): Uncertain significance (1 of 4 stars; one submission).

gnomAD v4.1: 1 of 1,614,220 alleles (0.000062%); highest among the groups gnomAD compares: South Asian, 0.0011%; no homozygotes.

Submission:

Labcorp Genetics (formerly Invitae), Labcorp
Classification: Uncertain significance. Last evaluated: 2023-12-30. Review status: criteria provided, single submitter. Criteria: Invitae Variant Classification Sherloc (09022015). Collection method: clinical testing. Allele origin: germline.
Comment: This sequence change replaces alanine, which is neutral and non-polar, with glutamic acid, which is acidic and polar, at codon 138 of the MYLK3 protein (p.Ala138Glu). This variant is not present in population databases (gnomAD no frequency). This variant has not been reported in the literature in individuals affected with MYLK3-related conditions. An algorithm developed to predict the effect of missense changes on protein structure and function (PolyPhen-2) suggests that this variant is likely to be tolerated. In summary, the available evidence is currently insufficient to determine the role of this variant in disease. Therefore, it has been classified as a Variant of Uncertain Significance.